The following is an entry in ClinVar:

ClinVar aggregate classification (germline): Uncertain significance. Review status: criteria provided, multiple submitters, no conflicts (2 of 4 stars). 2 submissions from 2 submitters: Uncertain significance (2). Last evaluated 2022-05-21.

Conditions:
Cystinuria (CSNU). Also called: Cystinuria, non-type I; CYSTINURIA, TYPE I; CYSTINURIA, TYPE II; CYSTINURIA, TYPE III. Identifiers: Orphanet 214, MedGen C0010691, MONDO:0009067, OMIM 220100, HP:0003131.

Allele frequency attached by ClinVar (database versions not stated): TOPMed 0.00002; gnomAD 0.00003; ExAC 0.00004; gnomAD exomes 0.00004; 1000 Genomes Project 30x 0.00016; 1000 Genomes Project 0.00020.
gnomAD v4.1: 38 of 1,614,078 alleles (0.0024%); highest among the groups gnomAD compares: South Asian, 0.0022%; no homozygotes.

Submissions (2):

Fulgent Genetics
Classification: Uncertain significance for Cystinuria. Last evaluated: 2022-05-21. Review status: criteria provided, single submitter. Criteria: ACMG Guidelines, 2015. Collection method: clinical testing. Allele origin: unknown.

Labcorp Genetics (formerly Invitae), Labcorp
Classification: Uncertain significance. Last evaluated: 2021-12-10. Review status: criteria provided, single submitter. Criteria: Invitae Variant Classification Sherloc (09022015). Collection method: clinical testing. Allele origin: germline.
Comment: In summary, the available evidence is currently insufficient to determine the role of this variant in disease. Therefore, it has been classified as a Variant of Uncertain Significance. Algorithms developed to predict the effect of missense changes on protein structure and function (SIFT, PolyPhen-2, Align-GVGD) all suggest that this variant is likely to be tolerated. This missense change has been observed in individual(s) with cystinuria (PMID: 28717662). This variant is present in population databases (rs200753692, gnomAD 0.02%). This sequence change replaces arginine, which is basic and polar, with glutamine, which is neutral and polar, at codon 9 of the SLC7A9 protein (p.Arg9Gln).

Literature cited by the submitters: PubMed 28717662 (cited by Labcorp Genetics (formerly Invitae), Labcorp).

NM_014270.5(SLC7A9):c.26G>A (p.Arg9Gln)

Gene: SLC7A9 (solute carrier family 7 member 9; minus strand). Cytogenetic location: 19q13.11.
Variant type: single nucleotide variant.
Coding change: c.26G>A on transcript NM_014270.5 (MANE Select); coding-DNA position 26, G replaced by A.
Protein change: p.Arg9Gln; replaces arginine 9 with glutamine.
Molecular consequence: missense variant.
Genome position (GRCh38, 1-based): chr19:32,868,509, C>T on the plus strand (G>A on the coding strand, the complement: SLC7A9 is on the minus strand). VCF-style: chr19-32868509-C-T. GRCh37 (hg19) VCF-style: chr19-33359415-C-T.
Other names: c.26G>A, p.Arg9Gln (NM_001126335.2, NM_001243036.2); short protein forms R9Q.
Identifiers: ClinVar variation 1499457 (VCV001499457.7), dbSNP rs200753692, ClinGen allele CA9358981.